The following is an entry in ClinVar:

NM_001377.3(DYNC2H1):c.2946+2T>G

Gene: DYNC2H1 (dynein cytoplasmic 2 heavy chain 1; plus strand). Cytogenetic location: 11q22.3.
Variant type: single nucleotide variant.
Coding change: c.2946+2T>G on transcript NM_001377.3 (MANE Select); the canonical splice donor site of the intron after coding-DNA position 2946, T replaced by G.
Molecular consequence: splice donor variant.
Genome position (GRCh38, 1-based): chr11:103,148,619, T>G. VCF-style: chr11-103148619-T-G. GRCh37 (hg19) VCF-style: chr11-103019348-T-G.
Other names: c.2946+2T>G (NM_001080463.2).
Identifiers: ClinVar variation 3646477 (VCV003646477.2).

ClinVar aggregate classification (germline): Likely pathogenic (1 of 4 stars; one submission).

Conditions:
Jeune thoracic dystrophy. Also called: Jeune syndrome; Infantile thoracic dystrophy; Thoracic pelvic phalangeal dystrophy; Jeune's syndrome; Chondroectodermal dysplasia-like syndrome; Short-rib thoracic dysplasia. Identifiers: Orphanet 474, MedGen C0265275, MONDO:0018770.

Submission:

Labcorp Genetics (formerly Invitae), Labcorp
Classification: Likely pathogenic for Jeune thoracic dystrophy. Last evaluated: 2024-03-17. Review status: criteria provided, single submitter. Criteria: Invitae Variant Classification Sherloc (09022015). Collection method: clinical testing. Allele origin: germline.
Comment: This sequence change affects a donor splice site in intron 20 of the DYNC2H1 gene. It is expected to disrupt RNA splicing. Variants that disrupt the donor or acceptor splice site typically lead to a loss of protein function (PMID: 16199547), and loss-of-function variants in DYNC2H1 are known to be pathogenic (PMID: 23339108, 32753734, 33755199). This variant is not present in population databases (gnomAD no frequency). This variant has not been reported in the literature in individuals affected with DYNC2H1-related conditions. Algorithms developed to predict the effect of sequence changes on RNA splicing suggest that this variant may disrupt the consensus splice site. In summary, the currently available evidence indicates that the variant is pathogenic, but additional data are needed to prove that conclusively. Therefore, this variant has been classified as Likely Pathogenic.

Literature cited by the submitters: PubMed 16199547; PubMed 23339108; PubMed 32753734; PubMed 33755199.